The following is an entry in ClinVar:

ClinVar aggregate classification (germline): Uncertain significance (1 of 4 stars; one submission).

Conditions:
D-Glyceric aciduria. Also called: Deficiency of glycerate kinase; GLYCERATE KINASE DEFICIENCY. Identifiers: Orphanet 941, MedGen C0342765, MONDO:0009070, OMIM 220120.

Allele frequency attached by ClinVar (database versions not stated): gnomAD exomes below 0.00001.

Submission:

Baylor Genetics
Classification: Uncertain significance for D-Glyceric aciduria. Last evaluated: 2018-07-06. Review status: criteria provided, single submitter. Criteria: ACMG Guidelines, 2015. Collection method: clinical testing. Allele origin: paternal. Affected: yes.
Comment: This variant was determined to be of uncertain significance according to ACMG Guidelines, 2015 [PMID:25741868].

NM_145262.4(GLYCTK):c.550C>T (p.Pro184Ser)

Gene: GLYCTK (glycerate kinase; plus strand). Cytogenetic location: 3p21.2.
Variant type: single nucleotide variant.
Coding change: c.550C>T on transcript NM_145262.4 (MANE Select); coding-DNA position 550, C replaced by T.
Protein change: p.Pro184Ser; replaces proline 184 with serine.
Molecular consequence: missense variant. On other transcripts: non-coding transcript variant (3), intron variant (1).
Genome position (GRCh38, 1-based): chr3:52,291,767, C>T. VCF-style: chr3-52291767-C-T. GRCh37 (hg19) VCF-style: chr3-52325783-C-T.
Other names: c.530-493C>T (NM_001144951.2); short protein forms P184S.
Identifiers: ClinVar variation 1031661 (VCV001031661.1), dbSNP rs1379123977, ClinGen allele CA353071528.